The following is an entry in ClinVar:

NM_000368.5(TSC1):c.1896del (p.Gly633fs)

Gene: TSC1 (TSC complex subunit 1; minus strand). Cytogenetic location: 9q34.13.
Variant type: Deletion.
Coding change: c.1896del on transcript NM_000368.5 (MANE Select); coding-DNA position 1896, one base deleted (A; older notation c.1896delA).
Protein change: p.Gly633fs; shifts the reading frame from glycine 633.
Molecular consequence: frameshift variant.
Genome position (GRCh38, 1-based): chr9:132,905,682, T deleted on the plus strand (A on the coding strand, the reverse complement: TSC1 is on the minus strand); the first of 4 consecutive T bases (chr9:132,905,682-132,905,685); deleting any one gives the same sequence. VCF-style (leftmost placement, unchanged base first): chr9-132905681-CT-C. GRCh37 (hg19) VCF-style: chr9-135781068-CT-C.
Other names: c.1893del, p.Gly632fs (NM_001162426.2); c.1896delA (NM_000368.4); c.1743del, p.Gly582fs (NM_001162427.2); c.1533del, p.Gly512fs (NM_001362177.2); short protein forms G582fs, G632fs, G633fs, G512fs.
Identifiers: ClinVar variation 577202 (VCV000577202.6), dbSNP rs1564480935, ClinGen allele CA891843355.

ClinVar aggregate classification (germline): Pathogenic (1 of 4 stars; one submission).

Conditions:
Tuberous sclerosis 1 (TSC1). Identifiers: Orphanet 805, MedGen C1854465, MONDO:0008612, OMIM 191100.

Submission:

Labcorp Genetics (formerly Invitae), Labcorp
Classification: Pathogenic for Tuberous sclerosis 1. Last evaluated: 2018-01-02. Review status: criteria provided, single submitter. Criteria: Invitae Variant Classification Sherloc (09022015). Collection method: clinical testing. Allele origin: germline.
Comment: For these reasons, this variant has been classified as Pathogenic. Loss-of-function variants in TSC1 are known to be pathogenic (PMID: 10227394, 17304050). This variant has not been reported in the literature in individuals with TSC1-related disease. This variant is not present in population databases (ExAC no frequency). This sequence change creates a premature translational stop signal (p.Gly633Glufs*20) in the TSC1 gene. It is expected to result in an absent or disrupted protein product.

Literature cited by the submitters: PubMed 10227394; PubMed 17304050.